The following is an entry in ClinVar:

ClinVar aggregate classification (germline): Likely benign (1 of 4 stars; one submission).

gnomAD v4.1: 3 of 1,604,424 alleles (0.00019%); highest among the groups gnomAD compares: East Asian, 0.0045%; no homozygotes.

Submission:

CeGaT Center for Human Genetics Tuebingen
Classification: Likely benign. Last evaluated: 2026-08-01. Review status: criteria provided, single submitter. Criteria: CeGaT Center For Human Genetics Tuebingen Variant Classification Criteria Version 2. Collection method: clinical testing. Allele origin: germline. Affected: yes. Observed: 1 variant allele.
Comment: TMEM270: BP4

NM_182504.4(TMEM270):c.209C>T (p.Ala70Val)

Gene: TMEM270 (transmembrane protein 270; plus strand). Cytogenetic location: 7q11.23.
Variant type: single nucleotide variant.
Coding change: c.209C>T on transcript NM_182504.4 (MANE Select); coding-DNA position 209, C replaced by T.
Protein change: p.Ala70Val; replaces alanine 70 with valine.
Molecular consequence: missense variant.
Genome position (GRCh38, 1-based): chr7:73,865,129, C>T. VCF-style: chr7-73865129-C-T. GRCh37 (hg19) VCF-style: chr7-73279459-C-T.
Other names: short protein forms A70V.
Identifiers: ClinVar variation 5040538 (VCV005040538.1).